The following is an entry in ClinVar:

NM_001958.5(EEF1A2):c.145-8C>G

Gene: EEF1A2 (eukaryotic translation elongation factor 1 alpha 2; minus strand). Cytogenetic location: 20q13.33.
Variant type: single nucleotide variant.
Coding change: c.145-8C>G on transcript NM_001958.5 (MANE Select); 8 bases into the intron before coding-DNA position 145, C replaced by G.
Molecular consequence: intron variant.
Genome position (GRCh38, 1-based): chr20:63,496,043, G>C on the plus strand (C>G on the coding strand, the complement: EEF1A2 is on the minus strand). VCF-style: chr20-63496043-G-C. GRCh37 (hg19) VCF-style: chr20-62127396-G-C.
Identifiers: ClinVar variation 1014585 (VCV001014585.12), dbSNP rs554786640, ClinGen allele CA636614367.
Genomic context (GRCh38, chr20:63,496,043, plus strand): 5'-TCCGCCTTCAGCTTGTCCAGCACCCAGGCATACTTGAAGGATCCCTTCCCCATCTGGAGC[G>C]GGTGAGGGTCACGGCTGAGGGCGGGACCCGGGACCCAGGAGTCCCTGGTGGTGCGAGCTG-3'

ClinVar aggregate classification (germline): Uncertain significance (1 of 4 stars; one submission).

Conditions:
Developmental and epileptic encephalopathy, 33 (DEE33). Also called: Epileptic encephalopathy, early infantile, 33. Identifiers: Orphanet 442835, MedGen C4225337, MONDO:0014625, OMIM 616409.

gnomAD v4.1: 2 of 1,612,272 alleles (0.00012%); highest among the groups gnomAD compares: Non-Finnish European, 0.00017%; no homozygotes.

Submission:

Labcorp Genetics (formerly Invitae), Labcorp
Classification: Uncertain significance for Developmental and epileptic encephalopathy, 33. Last evaluated: 2022-08-16. Review status: criteria provided, single submitter. Criteria: Invitae Variant Classification Sherloc (09022015). Collection method: clinical testing. Allele origin: germline.
Comment: This variant is present in population databases (no rsID available, gnomAD 0.0009%). This variant has not been reported in the literature in individuals affected with EEF1A2-related conditions. This sequence change falls in intron 2 of the EEF1A2 gene. It does not directly change the encoded amino acid sequence of the EEF1A2 protein. ClinVar contains an entry for this variant (Variation ID: 1014585). Algorithms developed to predict the effect of sequence changes on RNA splicing suggest that this variant may disrupt the consensus splice site. In summary, the available evidence is currently insufficient to determine the role of this variant in disease. Therefore, it has been classified as a Variant of Uncertain Significance.